The following is an entry in ClinVar:

NM_004646.4(NPHS1):c.-81C>G

Genes: NPHS1 (NPHS1 adhesion molecule, nephrin; minus strand), KIRREL2 (kirre like nephrin family adhesion molecule 2; plus strand). Cytogenetic location: 19q13.12.
Variant type: single nucleotide variant.
Coding change: c.-81C>G on transcript NM_004646.4 (MANE Select); 81 bases upstream of the start codon, C replaced by G.
Molecular consequence: 5 prime UTR variant.
Genome position (GRCh38, 1-based): chr19:35,851,918, G>C on the plus strand (C>G on the coding strand, the complement: NPHS1 is on the minus strand). VCF-style: chr19-35851918-G-C. GRCh37 (hg19) VCF-style: chr19-36342820-G-C.
Identifiers: ClinVar variation 328887 (VCV000328887.12), dbSNP rs73928331, ClinGen allele CA10652383.

ClinVar aggregate classification (germline): Benign. Review status: criteria provided, multiple submitters, no conflicts (2 of 4 stars). 4 submissions from 4 submitters: Benign (4). Last evaluated 2021-06-10.

Conditions:
Finnish congenital nephrotic syndrome (NPHS1). Also called: NEPHROTIC SYNDROME, TYPE 1. Identifiers: Orphanet 839, MedGen C0403399, MONDO:0009732, OMIM 256300.
Congenital nephrotic syndrome. Also called: Familial nephrotic syndrome. Identifiers: MedGen C3501848, MeSH C535761, MONDO:0002350, HP:0008677.

Allele frequency attached by ClinVar (database versions not stated): gnomAD 0.07158 and 0.07300; TOPMed 0.07576; 1000 Genomes Project 0.08207; 1000 Genomes Project 30x 0.08526.
gnomAD v4.1: 54,188 of 1,200,666 alleles (4.5%); highest among the groups gnomAD compares: African/African-American, 16%; 1,772 homozygotes.

Submissions (4):

Genome-Nilou Lab
Classification: Benign for Finnish congenital nephrotic syndrome. Last evaluated: 2021-06-10. Review status: criteria provided, single submitter. Criteria: ACMG Guidelines, 2015. Collection method: clinical testing. Allele origin: germline. Affected: no.

GeneDx
Classification: Benign. Last evaluated: 2020-01-16. Review status: criteria provided, single submitter. Criteria: GeneDx Variant Classification Process June 2021. Collection method: clinical testing. Allele origin: germline. Affected: yes.

Illumina Laboratory Services, Illumina
Classification: Benign for Congenital nephrotic syndrome. Last evaluated: 2018-01-13. Review status: criteria provided, single submitter. Criteria: ICSL Variant Classification Criteria 13 December 2019. Collection method: clinical testing. Allele origin: germline.
Comment: This variant was observed in the ICSL laboratory as part of a predisposition screen in an ostensibly healthy population. It had not been previously curated by ICSL or reported in the Human Gene Mutation Database (HGMD: prior to June 1st, 2018), and was therefore a candidate for classification through an automated scoring system. Utilizing variant allele frequency, disease prevalence and penetrance estimates, and inheritance mode, an automated score was calculated to assess if this variant is too frequent to cause the disease. Based on the score and internal cut-off values, a variant classified as benign is not then subjected to further curation. The score for this variant resulted in a classification of benign for this disease.

Breakthrough Genomics
Classification: Benign. Review status: criteria provided, single submitter. Criteria: ACMG Guidelines, 2015. Collection method: not provided. Allele origin: germline. Inheritance: Autosomal recessive inheritance. Affected: yes.